The following is an entry in ClinVar:

ClinVar aggregate classification (germline): Conflicting classifications of pathogenicity. Review status: criteria provided, conflicting classifications (1 of 4 stars). 9 submissions from 9 submitters: Uncertain significance (6); Likely benign (1). 2 of the submissions do not count toward it. Last evaluated 2026-06-24.

Conditions:
Cardiovascular phenotype. Identifiers: MedGen CN230736.
Alstrom syndrome (ALMS). Identifiers: Orphanet 64, MedGen C0268425, MONDO:0008763, OMIM 203800.

Allele frequency attached by ClinVar (database versions not stated): ExAC 0.00003; gnomAD exomes 0.00003 and 0.00005; gnomAD 0.00004 and 0.00005; TOPMed 0.00004; 1000 Genomes Project 0.00020; 1000 Genomes Project 30x 0.00031.
gnomAD v4.1: 52 of 1,614,116 alleles (0.0032%); highest among the groups gnomAD compares: Middle Eastern, 0.016%; no homozygotes.

Submissions (9):

GeneDx
Classification: Uncertain significance. Last evaluated: 2026-06-24. Review status: criteria provided, single submitter. Criteria: GeneDx Variant Classification Process June 2021. Collection method: clinical testing. Allele origin: germline.
Comment: Not observed at significant frequency in large population cohorts (gnomAD); In silico analysis supports that this missense variant has a deleterious effect on protein structure/function; Has not been previously published as pathogenic or benign to our knowledge

Blueprint Genetics
Classification: Uncertain significance. Last evaluated: 2024-09-02. Review status: criteria provided, single submitter. Criteria: ACMG Guidelines, 2015. Collection method: clinical testing. Allele origin: germline.

CeGaT Center for Human Genetics Tuebingen
Classification: Uncertain significance. Last evaluated: 2024-07-01. Review status: criteria provided, single submitter. Criteria: CeGaT Center For Human Genetics Tuebingen Variant Classification Criteria Version 2. Collection method: clinical testing. Allele origin: germline. Affected: yes. Observed: 1 variant allele.
Comment: ALMS1: PM2, BP4

Ambry Genetics
Classification: Likely benign for Cardiovascular phenotype. Last evaluated: 2023-11-13. Review status: criteria provided, single submitter. Criteria: Ambry Variant Classification Scheme 2023. Collection method: clinical testing. Allele origin: germline.

Labcorp Genetics (formerly Invitae), Labcorp
Classification: Uncertain significance for Alstrom syndrome. Last evaluated: 2022-08-16. Review status: criteria provided, single submitter. Criteria: Invitae Variant Classification Sherloc (09022015). Collection method: clinical testing. Allele origin: germline.
Comment: This sequence change replaces lysine, which is basic and polar, with glutamic acid, which is acidic and polar, at codon 2027 of the ALMS1 protein (p.Lys2027Glu). This variant is present in population databases (rs191286546, gnomAD 0.009%). This variant has not been reported in the literature in individuals affected with ALMS1-related conditions. ClinVar contains an entry for this variant (Variation ID: 551430). In summary, the available evidence is currently insufficient to determine the role of this variant in disease. Therefore, it has been classified as a Variant of Uncertain Significance.

Fulgent Genetics
Classification: Uncertain significance for Alstrom syndrome. Last evaluated: 2022-03-24. Review status: criteria provided, single submitter. Criteria: ACMG Guidelines, 2015. Collection method: clinical testing. Allele origin: unknown.

Genome-Nilou Lab
Classification: Uncertain significance for Alstrom syndrome. Last evaluated: 2021-07-14. Review status: criteria provided, single submitter. Criteria: ACMG Guidelines, 2015. Collection method: clinical testing. Allele origin: germline. Affected: no.

Natera, Inc.
Classification: Uncertain significance for Alstrom syndrome. Last evaluated: 2021-06-07. Review status: no assertion criteria provided. Collection method: clinical testing. Allele origin: germline. Not counted in ClinVar's aggregate classification.

Counsyl
Classification: Uncertain significance for Alstrom syndrome. Last evaluated: 2017-04-10. Review status: no assertion criteria provided. Collection method: clinical testing. Allele origin: unknown. Not counted in ClinVar's aggregate classification.

NM_001378454.1(ALMS1):c.6076A>G (p.Lys2026Glu)

Gene: ALMS1 (ALMS1 centrosome and basal body associated protein; plus strand). Cytogenetic location: 2p13.1.
Variant type: single nucleotide variant.
Coding change: c.6076A>G on transcript NM_001378454.1 (MANE Select); coding-DNA position 6076, A replaced by G.
Protein change: p.Lys2026Glu; replaces lysine 2026 with glutamic acid.
Molecular consequence: missense variant.
Genome position (GRCh38, 1-based): chr2:73,452,603, A>G. VCF-style: chr2-73452603-A-G. GRCh37 (hg19) VCF-style: chr2-73679730-A-G.
Other names: c.6079A>G, p.Lys2027Glu (NM_015120.4); short protein forms K2027E, K2026E.
Identifiers: ClinVar variation 551430 (VCV000551430.35), dbSNP rs191286546, ClinGen allele CA1713996.
Genomic context (GRCh38, chr2:73,452,603, plus strand): 5'-GACCAGAAAACTGAGTTTCCAGCAGCTACCCTTAGTTCCTACTCACAAATAGAGAAGCCC[A>G]AGATTTCAACTGTGATTGGACCAAATGACCAGAAGACTCCATCCCAGACAGCTTTTCATA-3'
Protein context (NP_001365383.1, residues 2016-2036): LSSYSQIEKP[Lys2026Glu]ISTVIGPNDQ